The following is an entry in ClinVar:

NM_000093.5(COL5A1):c.5413C>A (p.Pro1805Thr)

Genes: COL5A1 (collagen type V alpha 1 chain; plus strand), LOC101448202 (uncharacterized LOC101448202; minus strand). Cytogenetic location: 9q34.3.
Variant type: single nucleotide variant.
Coding change: c.5413C>A on transcript NM_000093.5 (MANE Select); coding-DNA position 5413, C replaced by A.
Protein change: p.Pro1805Thr; replaces proline 1805 with threonine.
Molecular consequence: missense variant.
Genome position (GRCh38, 1-based): chr9:134,842,199, C>A. VCF-style: chr9-134842199-C-A. GRCh37 (hg19) VCF-style: chr9-137734045-C-A.
Other names: c.5413C>A, p.Pro1805Thr (NM_001278074.1); short protein forms P1805T.
Identifiers: ClinVar variation 3835309 (VCV003835309.1).

ClinVar aggregate classification (germline): Uncertain significance (1 of 4 stars; one submission).

Conditions:
Familial thoracic aortic aneurysm and aortic dissection (TAAD). Also called: Thoracic aortic aneurysms and dissections. Identifiers: Orphanet 91387, MedGen C4707243, MONDO:0019625.

Submission:

Ambry Genetics
Classification: Uncertain significance for Familial thoracic aortic aneurysm and aortic dissection. Last evaluated: 2025-01-30. Review status: criteria provided, single submitter. Criteria: Ambry Variant Classification Scheme 2023. Collection method: clinical testing. Allele origin: germline.
Comment: The p.P1805T variant (also known as c.5413C>A), located in coding exon 66 of the COL5A1 gene, results from a C to A substitution at nucleotide position 5413. The proline at codon 1805 is replaced by threonine, an amino acid with highly similar properties. This amino acid position is well conserved in available vertebrate species. In addition, this alteration is predicted to be tolerated by in silico analysis. Based on the available evidence, the clinical significance of this variant remains unclear.